The following is an entry in ClinVar:

NM_000722.4(CACNA2D1):c.43C>G (p.Gln15Glu)

Gene: CACNA2D1 (calcium voltage-gated channel auxiliary subunit alpha2delta 1; minus strand). Cytogenetic location: 7q21.11.
Variant type: single nucleotide variant.
Coding change: c.43C>G on transcript NM_000722.4 (MANE Select); coding-DNA position 43, C replaced by G.
Protein change: p.Gln15Glu; replaces glutamine 15 with glutamic acid.
Molecular consequence: missense variant.
Genome position (GRCh38, 1-based): chr7:82,443,417, G>C on the plus strand (C>G on the coding strand, the complement: CACNA2D1 is on the minus strand). VCF-style: chr7-82443417-G-C. GRCh37 (hg19) VCF-style: chr7-82072733-G-C.
Other names: c.43C>G, p.Gln15Glu (NM_001302890.2, NM_001366867.1); short protein forms Q15E.
Identifiers: ClinVar variation 840585 (VCV000840585.1), dbSNP rs774697812, ClinGen allele CA161649320.

ClinVar aggregate classification (germline): Uncertain significance (1 of 4 stars; one submission).

Conditions:
Brugada syndrome. Also called: Sudden unexplained nocturnal death syndrome; Sudden Unexplained Death Syndrome; Sudden Unexplained Nocturnal Death Syndrome (SUNDS); Sudden unexpected nocturnal death syndrome. Identifiers: Orphanet 130, MedGen C1142166, MONDO:0015263.

Submission:

Labcorp Genetics (formerly Invitae), Labcorp
Classification: Uncertain significance for Brugada syndrome. Last evaluated: 2019-12-26. Review status: criteria provided, single submitter. Criteria: Invitae Variant Classification Sherloc (09022015). Collection method: clinical testing. Allele origin: germline.
Comment: This sequence change replaces glutamine with glutamic acid at codon 15 of the CACNA2D1 protein (p.Gln15Glu). The glutamine residue is moderately conserved and there is a small physicochemical difference between glutamine and glutamic acid. This variant is not present in population databases (ExAC no frequency). This variant has not been reported in the literature in individuals with CACNA2D1-related conditions. Algorithms developed to predict the effect of missense changes on protein structure and function (SIFT, PolyPhen-2, Align-GVGD) all suggest that this variant is likely to be tolerated, but these predictions have not been confirmed by published functional studies and their clinical significance is uncertain. In summary, the available evidence is currently insufficient to determine the role of this variant in disease. Therefore, it has been classified as a Variant of Uncertain Significance.